The following is an entry in ClinVar:

NM_001367479.1(DNAH14):c.8981G>A (p.Arg2994Gln)

Gene: DNAH14 (dynein axonemal heavy chain 14; plus strand). Cytogenetic location: 1q42.12.
Variant type: single nucleotide variant.
Coding change: c.8981G>A on transcript NM_001367479.1 (MANE Select); coding-DNA position 8981, G replaced by A.
Protein change: p.Arg2994Gln; replaces arginine 2994 with glutamine.
Molecular consequence: missense variant.
Genome position (GRCh38, 1-based): chr1:225,305,065, G>A. VCF-style: chr1-225305065-G-A. GRCh37 (hg19) VCF-style: chr1-225492767-G-A.
Other names: NM_001373.1:c.8702G>A; short protein forms R2994Q.
Identifiers: ClinVar variation 3363471 (VCV003363471.2).

ClinVar aggregate classification (germline): Uncertain significance (1 of 4 stars; one submission).

gnomAD v4.1: 134 of 1,536,546 alleles (0.0087%); highest among the groups gnomAD compares: African/African-American, 0.16%; no homozygotes.

Submission:

GeneDx
Classification: Uncertain significance. Last evaluated: 2025-04-10. Review status: criteria provided, single submitter. Criteria: GeneDx Variant Classification Process June 2021. Collection method: clinical testing. Allele origin: germline.
Comment: Has not been previously published as pathogenic or benign to our knowledge; In silico analysis supports that this missense variant does not alter protein structure/function